The following is an entry in ClinVar:

ClinVar aggregate classification (germline): Uncertain significance. Review status: criteria provided, single submitter (1 of 4 stars). 2 submissions from 2 submitters: Uncertain significance (1). 1 of the submissions does not count toward it. Last evaluated 2022-03-10.

Conditions:
Hereditary glaucoma, primary closed-angle. Also called: Glaucoma, primary closed-angle. Identifiers: MedGen C5394374, MONDO:0030038, OMIM 618880.

Allele frequency attached by ClinVar (database versions not stated): gnomAD 0.00002; TOPMed 0.00002.
gnomAD v4.1: 10 of 1,602,568 alleles (0.00062%); highest among the groups gnomAD compares: East Asian, 0.0022%; no homozygotes.

Submissions (2):

Labcorp Genetics (formerly Invitae), Labcorp
Classification: Uncertain significance. Last evaluated: 2022-03-10. Review status: criteria provided, single submitter. Criteria: Invitae Variant Classification Sherloc (09022015). Collection method: clinical testing. Allele origin: germline.
Comment: In summary, the available evidence is currently insufficient to determine the role of this variant in disease. Therefore, it has been classified as a Variant of Uncertain Significance. Experimental studies and prediction algorithms are not available or were not evaluated, and the functional significance of this variant is currently unknown. ClinVar contains an entry for this variant (Variation ID: 872908). This variant has not been reported in the literature in individuals affected with COL18A1-related conditions. This variant is not present in population databases (gnomAD no frequency). This sequence change replaces glutamic acid, which is acidic and polar, with lysine, which is basic and polar, at codon 184 of the COL18A1 protein (p.Glu184Lys). The COL18A1 gene has multiple clinically relevant transcripts. This variant occurs in alternate transcript NM_030582.3, and corresponds to NM_130445.3:c.107-12162G>A in the primary transcript.

OMIM
Classification: Pathogenic for GLAUCOMA, PRIMARY CLOSED ANGLE. Last evaluated: 2020-05-11. Review status: no assertion criteria provided. Collection method: literature only. Allele origin: germline. Not counted in ClinVar's aggregate classification.

Literature cited by the submitters: PubMed 30007336 (cited by OMIM).

NM_001379500.1(COL18A1):c.107-12162G>A

Gene: COL18A1 (collagen type XVIII alpha 1 chain; plus strand). Cytogenetic location: 21q22.3.
Variant type: single nucleotide variant.
Coding change: c.107-12162G>A on transcript NM_001379500.1 (MANE Select); 12162 bases into the intron before coding-DNA position 107, G replaced by A.
Molecular consequence: intron variant. On other transcripts: missense variant (2).
Genome position (GRCh38, 1-based): chr21:45,456,080, G>A. VCF-style: chr21-45456080-G-A. GRCh37 (hg19) VCF-style: chr21-46875994-G-A.
Other names: c.550G>A, p.Glu184Lys (NM_030582.4, NM_130444.3); short protein forms E184K.
Identifiers: ClinVar variation 872908 (VCV000872908.4), dbSNP rs749957649, ClinGen allele CA321895123.